The following is an entry in ClinVar:

NM_001100913.3(PACS2):c.769G>A (p.Ala257Thr)

Gene: PACS2 (phosphofurin acidic cluster sorting protein 2; plus strand). Cytogenetic location: 14q32.33.
Variant type: single nucleotide variant.
Coding change: c.769G>A on transcript NM_001100913.3 (MANE Select); coding-DNA position 769, G replaced by A.
Protein change: p.Ala257Thr; replaces alanine 257 with threonine.
Molecular consequence: missense variant.
Genome position (GRCh38, 1-based): chr14:105,369,868, G>A. VCF-style: chr14-105369868-G-A. GRCh37 (hg19) VCF-style: chr14-105836205-G-A.
Other names: c.544G>A, p.Ala182Thr (NM_001243127.3); c.769G>A, p.Ala257Thr (NM_015197.4); short protein forms A182T, A257T.
Identifiers: ClinVar variation 3359972 (VCV003359972.1).

ClinVar aggregate classification (germline): Uncertain significance (1 of 4 stars; one submission).

Submission:

GeneDx
Classification: Uncertain significance. Last evaluated: 2023-06-15. Review status: criteria provided, single submitter. Criteria: GeneDx Variant Classification Process June 2021. Collection method: clinical testing. Allele origin: germline. Affected: yes.
Comment: In silico analysis supports that this missense variant has a deleterious effect on protein structure/function; Has not been previously published as pathogenic or benign to our knowledge